The following is an entry in ClinVar:

ClinVar aggregate classification (germline): Benign/Likely benign. Review status: criteria provided, multiple submitters, no conflicts (2 of 4 stars). 8 submissions from 8 submitters: Benign (3); Likely benign (4). 1 of the submissions does not count toward it. Last evaluated 2026-02-02.

Conditions:
Zellweger spectrum disorders (ZS). Also called: Zellweger syndrome; Zellweger Spectrum Disorder (ZSD); Zellweger Spectrum Disorder; Zellweger Spectrum. Identifiers: Orphanet 912, MedGen C0043459, MONDO:0019609.
Peroxisome biogenesis disorder. Identifiers: Orphanet 79189, MedGen C1832200, MONDO:0019234. Disease mechanism: loss of function.
Peroxisome biogenesis disorder 4A (Zellweger) (PBD4A). Also called: Zellweger syndrome spectrum (PEX6-related). Identifiers: Orphanet 912, MedGen C3553936, MONDO:0013930, OMIM 614862. Disease mechanism: loss of function.

Allele frequency attached by ClinVar (database versions not stated): gnomAD exomes 0.00067 and 0.00190; ExAC 0.00234; gnomAD 0.00656 and 0.00686; ESP Exome Variant Server 0.00677; TOPMed 0.00682; 1000 Genomes Project 0.00938; 1000 Genomes Project 30x 0.01062.

Submissions (8):

Labcorp Genetics (formerly Invitae), Labcorp
Classification: Benign for Peroxisome biogenesis disorder. Last evaluated: 2026-02-02. Review status: criteria provided, single submitter. Criteria: Invitae Variant Classification Sherloc (09022015). Collection method: clinical testing. Allele origin: germline.

Mayo Clinic Laboratories, Mayo Clinic
Classification: Likely benign. Last evaluated: 2025-08-26. Review status: criteria provided, single submitter. Criteria: ACMG Guidelines, 2015. Collection method: clinical testing. Allele origin: germline. Observed: 4 variant alleles.
Comment: BA1, BS2

GeneDx
Classification: Likely benign. Last evaluated: 2020-09-20. Review status: criteria provided, single submitter. Criteria: GeneDx Variant Classification Process June 2021. Collection method: clinical testing. Allele origin: germline. Affected: yes.
Comment: See Variant Classification Assertion Criteria.

Illumina Laboratory Services, Illumina
Classification: Benign for Peroxisome biogenesis disorder 4A (Zellweger). Last evaluated: 2018-01-13. Review status: criteria provided, single submitter. Criteria: ICSL Variant Classification Criteria 13 December 2019. Collection method: clinical testing. Allele origin: germline.
Comment: This variant was observed in the ICSL laboratory as part of a predisposition screen in an ostensibly healthy population. It had not been previously curated by ICSL or reported in the Human Gene Mutation Database (HGMD: prior to June 1st, 2018), and was therefore a candidate for classification through an automated scoring system. Utilizing variant allele frequency, disease prevalence and penetrance estimates, and inheritance mode, an automated score was calculated to assess if this variant is too frequent to cause the disease. Based on the score and internal cut-off values, a variant classified as benign is not then subjected to further curation. The score for this variant resulted in a classification of benign for this disease.

Center for Pediatric Genomic Medicine, Children's Mercy Hospital and Clinics
Classification: Likely benign. Last evaluated: 2017-08-31. Review status: criteria provided, single submitter. Criteria: ACMG Guidelines, 2015. Collection method: clinical testing. Allele origin: germline.

Breakthrough Genomics
Classification: Likely benign. Review status: criteria provided, single submitter. Criteria: ACMG Guidelines, 2015. Collection method: not provided. Allele origin: germline. Inheritance: Autosomal recessive inheritance. Affected: yes.

PreventionGenetics, part of Exact Sciences
Classification: Benign. Review status: criteria provided, single submitter. Criteria: ACMG Guidelines, 2015. Collection method: clinical testing. Allele origin: germline.

Natera, Inc.
Classification: Benign for Zellweger syndrome. Last evaluated: 2019-11-11. Review status: no assertion criteria provided. Collection method: clinical testing. Allele origin: germline. Not counted in ClinVar's aggregate classification.

NM_000287.4(PEX6):c.2936C>T (p.Ala979Val)

Gene: PEX6 (peroxisomal biogenesis factor 6; minus strand). Cytogenetic location: 6p21.1.
Variant type: single nucleotide variant.
Coding change: c.2936C>T on transcript NM_000287.4 (MANE Select); coding-DNA position 2936, C replaced by T.
Protein change: p.Ala979Val; replaces alanine 979 with valine.
Molecular consequence: missense variant. On other transcripts: non-coding transcript variant (1).
Genome position (GRCh38, 1-based): chr6:42,964,342, G>A on the plus strand (C>T on the coding strand, the complement: PEX6 is on the minus strand). VCF-style: chr6-42964342-G-A. GRCh37 (hg19) VCF-style: chr6-42932080-G-A.
Other names: p.Ala979Val; c.2672C>T, p.Ala891Val (NM_001316313.2); short protein forms A979V, A891V.
Identifiers: ClinVar variation 255741 (VCV000255741.21), dbSNP rs115180949, ClinGen allele CA3810857.